The following is an entry in ClinVar:

ClinVar aggregate classification (germline): Pathogenic. Review status: reviewed by expert panel (3 of 4 stars). 4 submissions from 4 submitters: Pathogenic (1). 3 of the submissions do not count toward it. Last evaluated 2016-10-18.

Conditions:
Breast-ovarian cancer, familial, susceptibility to, 2 (BROVCA2). Also called: BRCA2 Hereditary Breast and Ovarian Cancer. Identifiers: Orphanet 145, MedGen C2675520, MONDO:0012933, OMIM 612555. Disease mechanism: loss of function.
Hereditary cancer-predisposing syndrome. Also called: Hereditary neoplastic syndrome; Neoplastic Syndromes, Hereditary; Tumor predisposition; Hereditary Cancer Syndrome. Identifiers: Orphanet 140162, MedGen C0027672, MeSH D009386, MONDO:0015356.
Hereditary breast ovarian cancer syndrome. Also called: BRCA1- and BRCA2-Associated Hereditary Breast and Ovarian Cancer; Hereditary breast and ovarian cancer; Breast and ovarian cancer; Hereditary breast and/or ovarian cancer syndrome; Hereditary breast and ovarian cancer syndrome; Hereditary breast and ovarian cancer syndrome (HBOC). Identifiers: Orphanet 145, MedGen C0677776, MeSH D061325, MONDO:0003582. Disease mechanism: loss of function.

Submissions (4):

Evidence-based Network for the Interpretation of Germline Mutant Alleles (ENIGMA)
Classification: Pathogenic for Breast-ovarian cancer, familial, susceptibility to, 2. Last evaluated: 2016-10-18. Review status: reviewed by expert panel. Criteria: ENIGMA BRCA1/2 Classification Criteria (2015). Collection method: curation. Allele origin: germline.
Comment: Variant allele predicted to encode a truncated non-functional protein.

Ambry Genetics
Classification: Pathogenic for Hereditary cancer-predisposing syndrome. Last evaluated: 2022-09-28. Review status: criteria provided, single submitter. Criteria: Ambry Variant Classification Scheme 2023. Collection method: clinical testing. Allele origin: germline. Not counted in ClinVar's aggregate classification.
Comment: The p.E2599* pathogenic mutation (also known as c.7795G>T), located in coding exon 15 of the BRCA2 gene, results from a G to T substitution at nucleotide position 7795. This changes the amino acid from a glutamic acid to a stop codon within coding exon 15. This variant is considered to be rare based on population cohorts in the Genome Aggregation Database (gnomAD). This alteration is expected to result in loss of function by premature protein truncation or nonsense-mediated mRNA decay. As such, this alteration is interpreted as a disease-causing mutation.

Labcorp Genetics (formerly Invitae), Labcorp
Classification: Pathogenic for Hereditary breast ovarian cancer syndrome. Last evaluated: 2021-04-29. Review status: criteria provided, single submitter. Criteria: Invitae Variant Classification Sherloc (09022015). Collection method: clinical testing. Allele origin: germline. Not counted in ClinVar's aggregate classification.
Comment: This sequence change creates a premature translational stop signal (p.Glu2599*) in the BRCA2 gene. It is expected to result in an absent or disrupted protein product. This variant is not present in population databases (ExAC no frequency). This variant has not been reported in the literature in individuals with a BRCA2-related disease. ClinVar contains an entry for this variant (Variation ID: 267036). Loss-of-function variants in BRCA2 are known to be pathogenic (PMID: 20104584). For these reasons, this variant has been classified as Pathogenic.

Consortium of Investigators of Modifiers of BRCA1/2 (CIMBA), c/o University of Cambridge
Classification: Pathogenic for Breast-ovarian cancer, familial, susceptibility to, 2. Last evaluated: 2015-10-02. Review status: criteria provided, single submitter. Criteria: CIMBA Mutation Classification guidelines May 2016. Collection method: clinical testing. Allele origin: germline. Not counted in ClinVar's aggregate classification.

Literature cited by the submitters: PubMed 20104584 (cited by Labcorp Genetics (formerly Invitae), Labcorp).

NM_000059.4(BRCA2):c.7795G>T (p.Glu2599Ter)

Gene: BRCA2 (BRCA2 DNA repair associated; plus strand). Cytogenetic location: 13q13.1.
Variant type: single nucleotide variant.
Coding change: c.7795G>T on transcript NM_000059.4 (MANE Select); coding-DNA position 7795, G replaced by T.
Protein change: p.Glu2599Ter; replaces glutamic acid 2599 with a stop codon.
Molecular consequence: nonsense.
Genome position (GRCh38, 1-based): chr13:32,357,919, G>T. VCF-style: chr13-32357919-G-T. GRCh37 (hg19) VCF-style: chr13-32932056-G-T.
Other names: 8023G>T (E2598X); short protein forms E2599*.
Identifiers: ClinVar variation 267036 (VCV000267036.14), dbSNP rs41293509, ClinGen allele CA10589451.
Genomic context (GRCh38, chr13:32,357,919, plus strand): 5'-ATACAGTTGGCTGATGGTGGATGGCTCATACCCTCCAATGATGGAAAGGCTGGAAAAGAA[G>T]AATTTTATAGGTACTCTATGCAAAAAGATTGTGTGTTAACTTTTATGTATTCCCTCATCC-3'